The following is an entry in ClinVar:

ClinVar aggregate classification (germline): Uncertain significance (1 of 4 stars; one submission).

gnomAD v4.1: 9 of 1,614,034 alleles (0.00056%); highest among the groups gnomAD compares: Admixed American, 0.005%; no homozygotes.

Submission:

Labcorp Genetics (formerly Invitae), Labcorp
Classification: Uncertain significance. Last evaluated: 2024-04-22. Review status: criteria provided, single submitter. Criteria: Invitae Variant Classification Sherloc (09022015). Collection method: clinical testing. Allele origin: germline.
Comment: This sequence change replaces arginine, which is basic and polar, with cysteine, which is neutral and slightly polar, at codon 852 of the NIN protein (p.Arg852Cys). This variant is present in population databases (rs376367833, gnomAD 0.003%). This variant has not been reported in the literature in individuals affected with NIN-related conditions. Algorithms developed to predict the effect of missense changes on protein structure and function output the following: SIFT: "Not Available"; PolyPhen-2: "Benign"; Align-GVGD: "Not Available". The cysteine amino acid residue is found in multiple mammalian species, which suggests that this missense change does not adversely affect protein function. In summary, the available evidence is currently insufficient to determine the role of this variant in disease. Therefore, it has been classified as a Variant of Uncertain Significance.

NM_020921.4(NIN):c.2554C>T (p.Arg852Cys)

Gene: NIN (ninein; minus strand). Cytogenetic location: 14q22.1.
Variant type: single nucleotide variant.
Coding change: c.2554C>T on transcript NM_020921.4 (MANE Select); coding-DNA position 2554, C replaced by T.
Protein change: p.Arg852Cys; replaces arginine 852 with cysteine.
Molecular consequence: missense variant. On other transcripts: intron variant (1).
Genome position (GRCh38, 1-based): chr14:50,758,476, G>A on the plus strand (C>T on the coding strand, the complement: NIN is on the minus strand). VCF-style: chr14-50758476-G-A. GRCh37 (hg19) VCF-style: chr14-51225194-G-A.
Other names: c.2554C>T, p.Arg852Cys (NM_182944.3, NM_182946.2); c.2399+1381C>T (NM_016350.5); short protein forms R852C.
Identifiers: ClinVar variation 3713716 (VCV003713716.2).